The following is an entry in ClinVar:

ClinVar aggregate classification (germline): Uncertain significance (1 of 4 stars; one submission).

Conditions:
Lethal multiple pterygium syndrome (LMPS). Identifiers: Orphanet 33108, MedGen C1854678, MONDO:0009668, OMIM 253290.

Allele frequency attached by ClinVar (database versions not stated): gnomAD exomes below 0.00001.
gnomAD v4.1: 6 of 1,614,090 alleles (0.00037%); highest among the groups gnomAD compares: South Asian, 0.0033%; no homozygotes.

Submission:

Labcorp Genetics (formerly Invitae), Labcorp
Classification: Uncertain significance for Lethal multiple pterygium syndrome. Last evaluated: 2022-12-02. Review status: criteria provided, single submitter. Criteria: Invitae Variant Classification Sherloc (09022015). Collection method: clinical testing. Allele origin: germline.
Comment: ClinVar contains an entry for this variant (Variation ID: 1421989). In summary, the available evidence is currently insufficient to determine the role of this variant in disease. Therefore, it has been classified as a Variant of Uncertain Significance. Advanced modeling of protein sequence and biophysical properties (such as structural, functional, and spatial information, amino acid conservation, physicochemical variation, residue mobility, and thermodynamic stability) performed at Invitae indicates that this missense variant is not expected to disrupt CHRND protein function. This variant has not been reported in the literature in individuals affected with CHRND-related conditions. This variant is not present in population databases (gnomAD no frequency). This sequence change replaces aspartic acid, which is acidic and polar, with glutamic acid, which is acidic and polar, at codon 505 of the CHRND protein (p.Asp505Glu).

NM_000751.3(CHRND):c.1515C>A (p.Asp505Glu)

Gene: CHRND (cholinergic receptor nicotinic delta subunit; plus strand). Cytogenetic location: 2q37.1.
Variant type: single nucleotide variant.
Coding change: c.1515C>A on transcript NM_000751.3 (MANE Select); coding-DNA position 1515, C replaced by A.
Protein change: p.Asp505Glu; replaces aspartic acid 505 with glutamic acid.
Molecular consequence: missense variant.
Genome position (GRCh38, 1-based): chr2:232,535,273, C>A. VCF-style: chr2-232535273-C-A. GRCh37 (hg19) VCF-style: chr2-233399983-C-A.
Other names: c.1470C>A, p.Asp490Glu (NM_001256657.2); c.933C>A, p.Asp311Glu (NM_001311195.2); c.1212C>A, p.Asp404Glu (NM_001311196.2); short protein forms D311E, D404E, D490E, D505E.
Identifiers: ClinVar variation 1421989 (VCV001421989.6), dbSNP rs2106215790, ClinGen allele CA351006185.